The following is an entry in ClinVar:

NM_021619.3(PRDM12):c.995C>A (p.Ala332Glu)

Gene: PRDM12 (PR/SET domain 12; plus strand). Cytogenetic location: 9q34.12.
Variant type: single nucleotide variant.
Coding change: c.995C>A on transcript NM_021619.3 (MANE Select); coding-DNA position 995, C replaced by A.
Protein change: p.Ala332Glu; replaces alanine 332 with glutamic acid.
Molecular consequence: missense variant.
Genome position (GRCh38, 1-based): chr9:130,681,560, C>A. VCF-style: chr9-130681560-C-A. GRCh37 (hg19) VCF-style: chr9-133556947-C-A.
Other names: p.Ala332Glu; short protein forms A332E.
Identifiers: ClinVar variation 475818 (VCV000475818.18), dbSNP rs773010364, ClinGen allele CA5284681.
Genomic context (GRCh38, chr9:130,681,560, plus strand): 5'-CCGGCCTGCGCGCCCACCAGAAGAGCGCGCGGCACCGGCCGCCCAGCACCGCGCTGCAGG[C>A]ACACTCGCCCGCGCTGCCCGCCCCGCACGCGCACGCGCCCGCGCTCGCCGCCGCCGCCGC-3'
Protein context (NP_067632.2, residues 322-342): RHRPPSTALQ[Ala332Glu]HSPALPAPHA

ClinVar aggregate classification (germline): Likely benign. Review status: criteria provided, multiple submitters, no conflicts (2 of 4 stars). 5 submissions from 5 submitters: Likely benign (5). Last evaluated 2026-01-02.

Conditions:
Inborn genetic diseases. Identifiers: MedGen C0950123, MeSH D030342.
Congenital insensitivity to pain-hypohidrosis syndrome. Also called: HSAN VIII; Neuropathy, hereditary sensory and autonomic, type VIII. Identifiers: Orphanet 478664, MedGen C4225308, MONDO:0014662, OMIM 616488.

Allele frequency attached by ClinVar (database versions not stated): 1000 Genomes Project 30x 0.00047; TOPMed 0.00085; gnomAD exomes 0.00351; ExAC 0.03125.
gnomAD v4.1: 1,992 of 1,224,332 alleles (0.16%); highest among the groups gnomAD compares: Non-Finnish European, 0.18%; 1 homozygote.

Submissions (5):

Labcorp Genetics (formerly Invitae), Labcorp
Classification: Likely benign for Congenital insensitivity to pain-hypohidrosis syndrome. Last evaluated: 2026-01-02. Review status: criteria provided, single submitter. Criteria: Invitae Variant Classification Sherloc (09022015). Collection method: clinical testing. Allele origin: germline.

Mayo Clinic Laboratories, Mayo Clinic
Classification: Likely benign. Last evaluated: 2025-10-12. Review status: criteria provided, single submitter. Criteria: ACMG Guidelines, 2015. Collection method: clinical testing. Allele origin: germline. Observed: 2 variant alleles.
Comment: BS1, BP4

Blueprint Genetics
Classification: Likely benign. Last evaluated: 2024-11-19. Review status: criteria provided, single submitter. Criteria: ACMG Guidelines, 2015. Collection method: clinical testing. Allele origin: germline.

Ambry Genetics
Classification: Likely benign for Inborn genetic diseases. Last evaluated: 2021-11-02. Review status: criteria provided, single submitter. Criteria: Ambry Variant Classification Scheme 2023. Collection method: clinical testing. Allele origin: germline.

GeneDx
Classification: Likely benign. Last evaluated: 2021-04-28. Review status: criteria provided, single submitter. Criteria: GeneDx Variant Classification Process June 2021. Collection method: clinical testing. Allele origin: germline. Affected: yes.

Literature cited by the submitters: PubMed 28518168 (cited by Ambry Genetics); PubMed 32461654 (cited by Ambry Genetics).